The following is an entry in ClinVar:

ClinVar aggregate classification (germline): Benign/Likely benign. Review status: criteria provided, multiple submitters, no conflicts (2 of 4 stars). 3 submissions from 3 submitters: Benign (1); Likely benign (2). Last evaluated 2026-01-24.

Conditions:
Primary immunodeficiency with natural-killer cell deficiency and adrenal insufficiency (IMD54). Also called: Natural killer cell and glucocorticoid deficiency with DNA repair defect; IMMUNODEFICIENCY 54. Identifiers: Orphanet 75391, MedGen C1864947, MONDO:0012383, OMIM 609981.
MCM4-related disorder. Also called: MCM4-related condition.

Allele frequency attached by ClinVar (database versions not stated): gnomAD 0.00003 and 0.00028; TOPMed 0.00003; gnomAD exomes 0.00039 and 0.00081; ExAC 0.00103; 1000 Genomes Project 0.00300; 1000 Genomes Project 30x 0.00328.
gnomAD v4.1: 613 of 1,613,432 alleles (0.038%); highest among the groups gnomAD compares: South Asian, 0.64%; 4 homozygotes.

Submissions (3):

Labcorp Genetics (formerly Invitae), Labcorp
Classification: Benign. Last evaluated: 2026-01-24. Review status: criteria provided, single submitter. Criteria: Invitae Variant Classification Sherloc (09022015). Collection method: clinical testing. Allele origin: germline.

PreventionGenetics, part of Exact Sciences
Classification: Likely benign for MCM4-related condition. Last evaluated: 2025-05-09. Review status: criteria provided, single submitter. Criteria: ACMG Guidelines, 2015. Collection method: clinical testing. Allele origin: germline.
Comment: This variant is classified as likely benign based on ACMG/AMP sequence variant interpretation guidelines (Richards et al. 2015 PMID: 25741868, with internal and published modifications).

Illumina Laboratory Services, Illumina
Classification: Likely benign for Primary immunodeficiency with natural-killer cell deficiency and adrenal insufficiency. Last evaluated: 2018-01-12. Review status: criteria provided, single submitter. Criteria: ICSL Variant Classification Criteria 13 December 2019. Collection method: clinical testing. Allele origin: germline.
Comment: This variant was observed in the ICSL laboratory as part of a predisposition screen in an ostensibly healthy population. It had not been previously curated by ICSL or reported in the Human Gene Mutation Database (HGMD: prior to June 1st, 2018), and was therefore a candidate for classification through an automated scoring system. Utilizing variant allele frequency, disease prevalence and penetrance estimates, and inheritance mode, an automated score was calculated to assess if this variant is too frequent to cause the disease. Based on the score and internal cut-off values, a variant classified as likely benign is not then subjected to further curation. The score for this variant resulted in a classification of likely benign for this disease.

NM_182746.3(MCM4):c.1929-6T>C

Gene: MCM4 (minichromosome maintenance complex component 4; plus strand). Cytogenetic location: 8q11.21.
Variant type: single nucleotide variant.
Coding change: c.1929-6T>C on transcript NM_182746.3 (MANE Select); 6 bases into the intron before coding-DNA position 1929, T replaced by C.
Molecular consequence: intron variant.
Genome position (GRCh38, 1-based): chr8:47,972,851, T>C. VCF-style: chr8-47972851-T-C. GRCh37 (hg19) VCF-style: chr8-48885411-T-C.
Other names: c.1929-6T>C (NM_005914.4).
Identifiers: ClinVar variation 909878 (VCV000909878.12), dbSNP rs567917422, ClinGen allele CA4742757.